The following is an entry in ClinVar:

ClinVar aggregate classification (germline): Uncertain significance. Review status: criteria provided, multiple submitters, no conflicts (2 of 4 stars). 3 submissions from 3 submitters: Uncertain significance (3). Last evaluated 2025-07-02.

Conditions:
Cardiac arrhythmia. Also called: Cardiac rhythm disease; Arrhythmia. Identifiers: MedGen C0003811, MONDO:0007263, HP:0011675.
Long QT syndrome (LQTS). Identifiers: MedGen C0023976, MeSH D008133, MONDO:0002442. Disease mechanism: loss of function. Inheritance: Various modes of inheritance.

gnomAD v4.1: 13 of 1,547,014 alleles (0.00084%); highest among the groups gnomAD compares: South Asian, 0.0012%; no homozygotes.

Submissions (3):

Color Diagnostics, LLC DBA Color Health
Classification: Uncertain significance for Cardiac arrhythmia. Last evaluated: 2025-07-02. Review status: criteria provided, single submitter. Criteria: ACMG Guidelines, 2015. Collection method: clinical testing. Allele origin: germline.
Comment: This missense variant replaces aspartic acid with glutamic acid at codon 1037 of the KCNH2 protein. Computational prediction is inconclusive regarding the impact of this variant on protein structure and function. To our knowledge, functional studies have not been reported for this variant. This variant has not been reported in individuals affected with KCNH2-related disorders in the literature. This variant has been identified in 3/144620 chromosomes in the general population by the Genome Aggregation Database (gnomAD). The available evidence is insufficient to determine the role of this variant in disease conclusively. Therefore, this variant is classified as a Variant of Uncertain Significance.

Labcorp Genetics (formerly Invitae), Labcorp
Classification: Uncertain significance for Long QT syndrome. Last evaluated: 2025-01-22. Review status: criteria provided, single submitter. Criteria: Invitae Variant Classification Sherloc (09022015). Collection method: clinical testing. Allele origin: germline.
Comment: This sequence change replaces aspartic acid, which is acidic and polar, with glutamic acid, which is acidic and polar, at codon 1037 of the KCNH2 protein (p.Asp1037Glu). The frequency data for this variant in the population databases is considered unreliable, as metrics indicate poor data quality at this position in the gnomAD database. This variant has not been reported in the literature in individuals affected with KCNH2-related conditions. ClinVar contains an entry for this variant (Variation ID: 2114739). An algorithm developed to predict the effect of missense changes on protein structure and function (PolyPhen-2) suggests that this variant is likely to be tolerated. In summary, the available evidence is currently insufficient to determine the role of this variant in disease. Therefore, it has been classified as a Variant of Uncertain Significance.

All of Us Research Program, National Institutes of Health
Classification: Uncertain significance for Long QT syndrome. Last evaluated: 2024-08-06. Review status: criteria provided, single submitter. Criteria: ACMG Guidelines, 2015. Collection method: clinical testing. Allele origin: germline. Inheritance: Autosomal dominant inheritance. Observed: 1 variant allele, 1 heterozygote.
Comment: This study involves interpretation of variants in research participants for the purpose of population health screening. Participant phenotype was not available at the time of variant classification. Additional details can be found in publication PMID: 35346344, PMCID: PMC8962531

NM_000238.4(KCNH2):c.3111C>A (p.Asp1037Glu)

Gene: KCNH2 (potassium voltage-gated channel subfamily H member 2; minus strand). Cytogenetic location: 7q36.1.
Variant type: single nucleotide variant.
Coding change: c.3111C>A on transcript NM_000238.4 (MANE Select); coding-DNA position 3111, C replaced by A.
Protein change: p.Asp1037Glu; replaces aspartic acid 1037 with glutamic acid.
Molecular consequence: missense variant.
Genome position (GRCh38, 1-based): chr7:150,947,369, G>T on the plus strand (C>A on the coding strand, the complement: KCNH2 is on the minus strand). VCF-style: chr7-150947369-G-T. GRCh37 (hg19) VCF-style: chr7-150644457-G-T.
Other names: c.2823C>A, p.Asp941Glu (NM_001406753.1); c.2091C>A, p.Asp697Glu (NM_172057.3); short protein forms D1037E, D697E, D941E.
Identifiers: ClinVar variation 2114739 (VCV002114739.6), dbSNP rs200799870, ClinGen allele CA369852613.